The following is an entry in ClinVar:

ClinVar aggregate classification (germline): Uncertain significance. Review status: criteria provided, multiple submitters, no conflicts (2 of 4 stars). 2 submissions from 2 submitters: Uncertain significance (2). Last evaluated 2026-07-06.

Conditions:
Hereditary cancer-predisposing syndrome. Also called: Hereditary Cancer Syndrome; Hereditary neoplastic syndrome; Neoplastic Syndromes, Hereditary; Tumor predisposition. Identifiers: Orphanet 140162, MedGen C0027672, MeSH D009386, MONDO:0015356.
Mitochondrial complex II deficiency, nuclear type 1. Also called: SUCCINATE CoQ REDUCTASE DEFICIENCY. Identifiers: Orphanet 3208, MedGen C5700310, MONDO:0100294, OMIM 252011.
Pheochromocytoma/paraganglioma syndrome 5. Also called: Paragangliomas 5; SDHA-Related Hereditary Paraganglioma-Pheochromocytoma Syndrome. Identifiers: Orphanet 29072, MedGen C3279992, MONDO:0013602, OMIM 614165.

gnomAD v4.1: 4 of 1,592,058 alleles (0.00025%); highest among the groups gnomAD compares: Non-Finnish European, 0.00034%; no homozygotes.

Submissions (2):

Ambry Genetics
Classification: Uncertain significance for Hereditary cancer-predisposing syndrome. Last evaluated: 2026-07-06. Review status: criteria provided, single submitter. Criteria: Ambry Variant Classification Scheme 2023. Collection method: clinical testing. Allele origin: germline.
Comment: The p.Q516L variant (also known as c.1547A>T), located in coding exon 11 of the SDHA gene, results from an A to T substitution at nucleotide position 1547. The glutamine at codon 516 is replaced by leucine, an amino acid with dissimilar properties. This amino acid position is conserved. In addition, this alteration is predicted to be deleterious by in silico analysis. Based on the available evidence, the clinical significance of this variant remains unclear.

Labcorp Genetics (formerly Invitae), Labcorp
Classification: Uncertain significance for Pheochromocytoma/paraganglioma syndrome 5; Mitochondrial complex II deficiency, nuclear type 1. Last evaluated: 2023-06-11. Review status: criteria provided, single submitter. Criteria: Invitae Variant Classification Sherloc (09022015). Collection method: clinical testing. Allele origin: germline.
Comment: In summary, the available evidence is currently insufficient to determine the role of this variant in disease. Therefore, it has been classified as a Variant of Uncertain Significance. Advanced modeling of protein sequence and biophysical properties (such as structural, functional, and spatial information, amino acid conservation, physicochemical variation, residue mobility, and thermodynamic stability) has been performed at Invitae for this missense variant, however the output from this modeling did not meet the statistical confidence thresholds required to predict the impact of this variant on SDHA protein function. This variant has not been reported in the literature in individuals affected with SDHA-related conditions. This variant is present in population databases (no rsID available, gnomAD 0.0009%). This sequence change replaces glutamine, which is neutral and polar, with leucine, which is neutral and non-polar, at codon 516 of the SDHA protein (p.Gln516Leu).

NM_004168.4(SDHA):c.1547A>T (p.Gln516Leu)

Gene: SDHA (succinate dehydrogenase complex flavoprotein subunit A; plus strand). Cytogenetic location: 5p15.33.
Variant type: single nucleotide variant.
Coding change: c.1547A>T on transcript NM_004168.4 (MANE Select); coding-DNA position 1547, A replaced by T.
Protein change: p.Gln516Leu; replaces glutamine 516 with leucine.
Molecular consequence: missense variant.
Genome position (GRCh38, 1-based): chr5:240,472, A>T. VCF-style: chr5-240472-A-T. GRCh37 (hg19) VCF-style: chr5-240587-A-T.
Other names: c.1547A>T (NM_004168.2); c.1403A>T, p.Gln468Leu (NM_001294332.2); c.1547A>T, p.Gln516Leu (NM_001330758.2); short protein forms Q468L, Q516L.
Identifiers: ClinVar variation 2932874 (VCV002932874.4), dbSNP rs981171929, ClinGen allele CA359014400.